The following is an entry in ClinVar:

ClinVar aggregate classification (germline): Uncertain significance. Review status: criteria provided, multiple submitters, no conflicts (2 of 4 stars). 3 submissions from 3 submitters: Uncertain significance (3). Last evaluated 2025-06-01.

Conditions:
Growth delay due to insulin-like growth factor I resistance. Also called: Insulin-Like Growth Factor I Resistance; Somatomedin end-organ insensitivity to; Somatomedin-c resistance to; IGF-1 resistance; IGF-I RESISTANCE. Identifiers: Orphanet 73273, MedGen C1849157, MONDO:0010038, OMIM 270450.

Allele frequency attached by ClinVar (database versions not stated): gnomAD 0.00001; TOPMed 0.00001; gnomAD exomes 0.00002.
gnomAD v4.1: 25 of 1,614,032 alleles (0.0015%); highest among the groups gnomAD compares: Middle Eastern, 0.016%; no homozygotes.

Submissions (3):

CeGaT Center for Human Genetics Tuebingen
Classification: Uncertain significance. Last evaluated: 2025-06-01. Review status: criteria provided, single submitter. Criteria: CeGaT Center For Human Genetics Tuebingen Variant Classification Criteria Version 2. Collection method: clinical testing. Allele origin: germline. Affected: yes. Observed: 1 variant allele.
Comment: IGF1R: PS4:Moderate, PM2:Supporting, BP5

Blueprint Genetics
Classification: Uncertain significance. Last evaluated: 2019-06-04. Review status: criteria provided, single submitter. Criteria: ACMG Guidelines, 2015. Collection method: clinical testing. Allele origin: germline.

Baylor Genetics
Classification: Uncertain significance for Growth delay due to insulin-like growth factor I resistance. Last evaluated: 2019-04-03. Review status: criteria provided, single submitter. Criteria: ACMG Guidelines, 2015. Collection method: clinical testing. Allele origin: paternal. Affected: yes.
Comment: This variant was determined to be of uncertain significance according to ACMG Guidelines, 2015 [PMID:25741868].

NM_000875.5(IGF1R):c.236C>T (p.Thr79Met)

Gene: IGF1R (insulin like growth factor 1 receptor; plus strand). Cytogenetic location: 15q26.3.
Variant type: single nucleotide variant.
Coding change: c.236C>T on transcript NM_000875.5 (MANE Select); coding-DNA position 236, C replaced by T.
Protein change: p.Thr79Met; replaces threonine 79 with methionine.
Molecular consequence: missense variant.
Genome position (GRCh38, 1-based): chr15:98,707,703, C>T. VCF-style: chr15-98707703-C-T. GRCh37 (hg19) VCF-style: chr15-99250932-C-T.
Other names: c.236C>T, p.Thr79Met (NM_001291858.2); short protein forms T79M.
Identifiers: ClinVar variation 1029963 (VCV001029963.12), dbSNP rs1235094252, ClinGen allele CA393696830.